The following is an entry in ClinVar:

ClinVar aggregate classification (germline): Uncertain significance (1 of 4 stars; one submission).

Submission:

GeneDx
Classification: Uncertain significance. Last evaluated: 2024-09-03. Review status: criteria provided, single submitter. Criteria: GeneDx Variant Classification Process June 2021. Collection method: clinical testing. Allele origin: germline. Affected: yes.
Comment: Not observed at significant frequency in large population cohorts (gnomAD); In silico analysis supports that this missense variant has a deleterious effect on protein structure/function; Has not been previously published as pathogenic or benign to our knowledge

NM_001923.5(DDB1):c.1670C>T (p.Ala557Val)

Gene: DDB1 (damage specific DNA binding protein 1; minus strand). Cytogenetic location: 11q12.2.
Variant type: single nucleotide variant.
Coding change: c.1670C>T on transcript NM_001923.5 (MANE Select); coding-DNA position 1670, C replaced by T.
Protein change: p.Ala557Val; replaces alanine 557 with valine.
Molecular consequence: missense variant.
Genome position (GRCh38, 1-based): chr11:61,314,130, G>A on the plus strand (C>T on the coding strand, the complement: DDB1 is on the minus strand). VCF-style: chr11-61314130-G-A. GRCh37 (hg19) VCF-style: chr11-61081602-G-A.
Other names: short protein forms A557V.
Identifiers: ClinVar variation 3766042 (VCV003766042.1).